The following is an entry in ClinVar:

NM_001199107.2(TBC1D24):c.1016A>C (p.Asn339Thr)

Gene: TBC1D24 (TBC1 domain family member 24; plus strand). Cytogenetic location: 16p13.3.
Variant type: single nucleotide variant.
Coding change: c.1016A>C on transcript NM_001199107.2 (MANE Select); coding-DNA position 1016, A replaced by C.
Protein change: p.Asn339Thr; replaces asparagine 339 with threonine.
Molecular consequence: missense variant.
Genome position (GRCh38, 1-based): chr16:2,498,270, A>C. VCF-style: chr16-2498270-A-C. GRCh37 (hg19) VCF-style: chr16-2548271-A-C.
Other names: c.998A>C, p.Asn333Thr (NM_020705.3); short protein forms N333T, N339T.
Identifiers: ClinVar variation 1719443 (VCV001719443.6), dbSNP rs2065760963, ClinGen allele CA394378524.

ClinVar aggregate classification (germline): Uncertain significance (1 of 4 stars; one submission).

Conditions:
Developmental and epileptic encephalopathy, 1 (DEE1). Also called: X-linked infantile spasms; West's syndrome; Tonic spasms with clustering, arrest of psychomotor development and hypsarrhythmia on EEG; X-Linked Infantile Spasm Syndrome; OHTAHARA SYNDROME, X-LINKED; INFANTILE SPASM SYNDROME, X-LINKED 1. Identifiers: MedGen C3463992, MONDO:0010632, OMIM 308350. Disease mechanism: loss of function.
Autosomal dominant nonsyndromic hearing loss 65. Also called: TBC1D24-Related Autosomal Dominant Nonsyndromic Hearing Loss (DFNA); Deafness, autosomal dominant 65. Identifiers: Orphanet 90635, MedGen C3892048, MONDO:0014470, OMIM 616044.

Allele frequency attached by ClinVar (database versions not stated): gnomAD exomes 0.00001.
gnomAD v4.1: 6 of 1,611,502 alleles (0.00037%); highest among the groups gnomAD compares: East Asian, 0.013%; no homozygotes.

Submission:

Labcorp Genetics (formerly Invitae), Labcorp
Classification: Uncertain significance for Developmental and epileptic encephalopathy, 1; Autosomal dominant nonsyndromic hearing loss 65. Last evaluated: 2022-09-14. Review status: criteria provided, single submitter. Criteria: Invitae Variant Classification Sherloc (09022015). Collection method: clinical testing. Allele origin: germline.
Comment: This sequence change replaces asparagine, which is neutral and polar, with threonine, which is neutral and polar, at codon 339 of the TBC1D24 protein (p.Asn339Thr). This variant is not present in population databases (gnomAD no frequency). This variant has not been reported in the literature in individuals affected with TBC1D24-related conditions. Advanced modeling of protein sequence and biophysical properties (such as structural, functional, and spatial information, amino acid conservation, physicochemical variation, residue mobility, and thermodynamic stability) performed at Invitae indicates that this missense variant is not expected to disrupt TBC1D24 protein function. In summary, the available evidence is currently insufficient to determine the role of this variant in disease. Therefore, it has been classified as a Variant of Uncertain Significance.